The following is an entry in ClinVar:

NM_003000.3(SDHB):c.299C>G (p.Ser100Cys)

Gene: SDHB (succinate dehydrogenase complex iron sulfur subunit B; minus strand). Cytogenetic location: 1p36.13.
Variant type: single nucleotide variant.
Coding change: c.299C>G on transcript NM_003000.3 (MANE Select); coding-DNA position 299, C replaced by G.
Protein change: p.Ser100Cys; replaces serine 100 with cysteine.
Molecular consequence: missense variant.
Genome position (GRCh38, 1-based): chr1:17,028,724, G>C on the plus strand (C>G on the coding strand, the complement: SDHB is on the minus strand). VCF-style: chr1-17028724-G-C. GRCh37 (hg19) VCF-style: chr1-17355219-G-C.
Other names: short protein forms S100C.
Identifiers: ClinVar variation 486417 (VCV000486417.23), dbSNP rs121917755, ClinGen allele CA338275124.
Genomic context (GRCh38, chr1:17,028,724, plus strand): 5'-TTGGTGTCAATCCTTCGGGTGCAAGCTAGAGTGTTGCCTCCATTGATGTTCATTGCACAA[G>C]AGCCACAGATGCCTGAAAGAGACACACATTTAACACATCCTCACCCATATCCGGAATCAG-3'
Protein context (NP_002991.2, residues 90-110): RRSCREGICG[Ser100Cys]CAMNINGGNT

ClinVar aggregate classification (germline): Uncertain significance. Review status: criteria provided, multiple submitters, no conflicts (2 of 4 stars). 8 submissions from 7 submitters: Uncertain significance (8). Last evaluated 2026-06-01.

Conditions:
Pheochromocytoma. Also called: MAX-Related Hereditary Paraganglioma-Pheochromocytoma Syndrome. Identifiers: Orphanet 29072, MedGen C0031511, MONDO:0008233, OMIM 171300, HP:0002666.
Gastrointestinal stromal tumor. Also called: Gastrointestinal stroma tumor; Gastrointestinal stromal tumor, somatic. Identifiers: Orphanet 44890, MedGen C0238198, MeSH D046152, MONDO:0011719, OMIM 606764, HP:0100723.
Pheochromocytoma/paraganglioma syndrome 4. Also called: PARAGANGLIOMA, FAMILIAL MALIGNANT; PARAGANGLIOMAS, HEREDITARY EXTRAADRENAL; PHEOCHROMOCYTOMA, FAMILIAL EXTRAADRENAL; SDHB-Related Hereditary Paraganglioma-Pheochromocytoma Syndrome (Paragangliomas 4); SDHB-Related Hereditary Paraganglioma-Pheochromocytoma Syndrome; CAROTID BODY TUMORS AND MULTIPLE EXTRAADRENAL PHEOCHROMOCYTOMAS. Identifiers: Orphanet 29072, MedGen C1861848, MONDO:0007273, OMIM 115310.
Hereditary cancer-predisposing syndrome. Also called: Hereditary neoplastic syndrome; Neoplastic Syndromes, Hereditary; Hereditary Cancer Syndrome; Tumor predisposition. Identifiers: Orphanet 140162, MedGen C0027672, MeSH D009386, MONDO:0015356.
Hereditary pheochromocytoma and paraganglioma. Also called: Hereditary pheochromocytoma-paraganglioma; Hereditary Paraganglioma-Pheochromocytoma Syndromes; Hereditary paragangliomas and pheochromocytomas. Identifiers: Orphanet 29072, MedGen C4274332, MONDO:0017366.
Carney-Stratakis syndrome. Also called: PARAGANGLIOMA AND GASTROINTESTINAL STROMAL TUMOR. Identifiers: Orphanet 97286, MedGen C1847319, MONDO:0011740, OMIM 606864.

Allele frequency attached by ClinVar (database versions not stated): gnomAD exomes 0.00001; TOPMed 0.00001.
gnomAD v4.1: 15 of 1,614,044 alleles (0.00093%); highest among the groups gnomAD compares: Non-Finnish European, 0.0013%; no homozygotes.

Submissions (8):

CeGaT Center for Human Genetics Tuebingen
Classification: Uncertain significance. Last evaluated: 2026-06-01. Review status: criteria provided, single submitter. Criteria: CeGaT Center For Human Genetics Tuebingen Variant Classification Criteria Version 2. Collection method: clinical testing. Allele origin: germline. Affected: yes. Observed: 1 variant allele.

Labcorp Genetics (formerly Invitae), Labcorp
Classification: Uncertain significance for Gastrointestinal stromal tumor; Pheochromocytoma/paraganglioma syndrome 4; Pheochromocytoma. Last evaluated: 2026-01-26. Review status: criteria provided, single submitter. Criteria: Invitae Variant Classification Sherloc (09022015). Collection method: clinical testing. Allele origin: germline.
Comment: This sequence change replaces serine, which is neutral and polar, with cysteine, which is neutral and slightly polar, at codon 100 of the SDHB protein (p.Ser100Cys). This variant is present in population databases (no rsID available, gnomAD 0.0009%). This variant has not been reported in the literature in individuals affected with SDHB-related conditions. ClinVar contains an entry for this variant (Variation ID: 486417). Invitae Evidence Modeling of protein sequence and biophysical properties (such as structural, functional, and spatial information, amino acid conservation, physicochemical variation, residue mobility, and thermodynamic stability) indicates that this missense variant is expected to disrupt SDHB protein function with a positive predictive value of 80%. This variant disrupts the p.Ser100 amino acid residue in SDHB. Other variant(s) that disrupt this residue have been observed in individuals with SDHB-related conditions (PMID: 30087776; internal data), which suggests that this may be a clinically significant amino acid residue. In summary, the available evidence is currently insufficient to determine the role of this variant in disease. Therefore, it has been classified as a Variant of Uncertain Significance.

Ambry Genetics
Classification: Uncertain significance for Hereditary cancer-predisposing syndrome. Last evaluated: 2025-11-14. Review status: criteria provided, single submitter. Criteria: Ambry Variant Classification Scheme 2023. Collection method: clinical testing. Allele origin: germline.
Comment: The p.S100C variant (also known as c.299C>G), located in coding exon 4 of the SDHB gene, results from a C to G substitution at nucleotide position 299. The serine at codon 100 is replaced by cysteine, an amino acid with dissimilar properties. This amino acid position is highly conserved in available vertebrate species. In addition, this alteration is predicted to be deleterious by in silico analysis. Based on the available evidence, the clinical significance of this variant remains unclear.

Color Diagnostics, LLC DBA Color Health
Classification: Uncertain significance for Hereditary pheochromocytoma and paraganglioma. Last evaluated: 2025-06-20. Review status: criteria provided, single submitter. Criteria: ACMG Guidelines, 2015. Collection method: clinical testing. Allele origin: germline.
Comment: This missense variant replaces serine with cysteine at codon 100 of the SDHB protein. Computational prediction suggests that this variant may have deleterious impact on protein structure and function. To our knowledge, functional studies have not been reported for this variant. This variant has not been reported in individuals affected with SDHB-related disorders in the literature. This variant has been identified in 2/251376 chromosomes in the general population by the Genome Aggregation Database (gnomAD). The available evidence is insufficient to determine the role of this variant in disease conclusively. Therefore, this variant is classified as a Variant of Uncertain Significance.

GeneDx
Classification: Uncertain significance. Last evaluated: 2020-08-25. Review status: criteria provided, single submitter. Criteria: GeneDx Variant Classification Process June 2021. Collection method: clinical testing. Allele origin: germline. Affected: yes.
Comment: Not observed at a significant frequency in large population cohorts (Lek 2016); In silico analysis supports that this missense variant has a deleterious effect on protein structure/function; Has not been previously published as pathogenic or benign to our knowledge

Illumina Laboratory Services, Illumina
Classification: Uncertain significance for Carney-Stratakis syndrome. Last evaluated: 2017-08-01. Review status: criteria provided, single submitter. Criteria: ICSL Variant Classification Criteria 13 December 2019. Collection method: clinical testing. Allele origin: germline.

Illumina Laboratory Services, Illumina
Classification: Uncertain significance for Hereditary Paraganglioma-Pheochromocytoma Syndromes. Last evaluated: 2017-08-01. Review status: criteria provided, single submitter. Criteria: ICSL Variant Classification Criteria 13 December 2019. Collection method: clinical testing. Allele origin: germline.

CSER _CC_NCGL, University of Washington
Classification: Uncertain significance for Hereditary pheochromocytoma and paraganglioma. Last evaluated: 2016-10-01. Review status: criteria provided, single submitter. Criteria: Amendola et al. (Genome Res. 2015). Collection method: research. Allele origin: germline. Affected: no. Study: CSER - NEXT Medicine variant annotation.
Comment: This interpretation considers GERP score and allele frequency data, in addition to published reports of the variant in the literature, available at the time of review.

Literature cited by the submitters: PubMed 30087776 (cited by Labcorp Genetics (formerly Invitae), Labcorp).